The following is an entry in ClinVar:

ClinVar aggregate classification (germline): Uncertain significance (1 of 4 stars; one submission).

Conditions:
Fanconi anemia (FA). Also called: Fanconi's anemia. Identifiers: Orphanet 84, MedGen C0015625, MeSH D005199, MONDO:0019391.

Allele frequency attached by ClinVar (database versions not stated): ExAC 0.00001.
gnomAD v4.1: 1 of 1,613,966 alleles (0.000062%); highest among the groups gnomAD compares: East Asian, 0.0022%; no homozygotes.

Submission:

Labcorp Genetics (formerly Invitae), Labcorp
Classification: Uncertain significance for Fanconi anemia. Last evaluated: 2022-03-05. Review status: criteria provided, single submitter. Criteria: Invitae Variant Classification Sherloc (09022015). Collection method: clinical testing. Allele origin: germline.
Comment: This sequence change replaces serine, which is neutral and polar, with alanine, which is neutral and non-polar, at codon 606 of the FANCA protein (p.Ser606Ala). This variant is present in population databases (rs770164503, gnomAD 0.006%). This variant has not been reported in the literature in individuals affected with FANCA-related conditions. Advanced modeling of protein sequence and biophysical properties (such as structural, functional, and spatial information, amino acid conservation, physicochemical variation, residue mobility, and thermodynamic stability) performed at Invitae indicates that this missense variant is not expected to disrupt FANCA protein function. In summary, the available evidence is currently insufficient to determine the role of this variant in disease. Therefore, it has been classified as a Variant of Uncertain Significance.

NM_000135.4(FANCA):c.1816T>G (p.Ser606Ala)

Gene: FANCA (FA complementation group A; minus strand). Cytogenetic location: 16q24.3.
Variant type: single nucleotide variant.
Coding change: c.1816T>G on transcript NM_000135.4 (MANE Select); coding-DNA position 1816, T replaced by G.
Protein change: p.Ser606Ala; replaces serine 606 with alanine.
Molecular consequence: missense variant.
Genome position (GRCh38, 1-based): chr16:89,778,811, A>C on the plus strand (T>G on the coding strand, the complement: FANCA is on the minus strand). VCF-style: chr16-89778811-A-C. GRCh37 (hg19) VCF-style: chr16-89845219-A-C.
Other names: c.1816T>G, p.Ser606Ala (NM_001286167.3); short protein forms S606A.
Identifiers: ClinVar variation 1357012 (VCV001357012.8), dbSNP rs770164503, ClinGen allele CA8252057.